The following is an entry in ClinVar:

NM_020340.5(ARFGEF3):c.2787C>T (p.Gly929=)

Gene: ARFGEF3 (ARFGEF family member 3; plus strand). Cytogenetic location: 6q23.3.
Variant type: single nucleotide variant.
Coding change: c.2787C>T on transcript NM_020340.5 (MANE Select); coding-DNA position 2787, C replaced by T.
Protein change: p.Gly929=; no amino-acid change (glycine 929 retained).
Molecular consequence: synonymous variant.
Genome position (GRCh38, 1-based): chr6:138,287,075, C>T. VCF-style: chr6-138287075-C-T. GRCh37 (hg19) VCF-style: chr6-138608212-C-T.
Other names: NC_000006.11:g.138608212C>T.
Identifiers: ClinVar variation 3041206 (VCV003041206.3), dbSNP rs17568867, ClinGen allele CA4020939.

ClinVar aggregate classification (germline): Benign (0 of 4 stars; one submission).

Conditions:
ARFGEF3-related disorder. Also called: ARFGEF3-related condition.

Allele frequency attached by ClinVar (database versions not stated): 1000 Genomes Project 0.01018; 1000 Genomes Project 30x 0.01234; TOPMed 0.02353; gnomAD 0.02572; ESP Exome Variant Server 0.02861; ExAC 0.04629.
gnomAD v4.1: 57,260 of 1,568,398 alleles (3.7%); highest among the groups gnomAD compares: Non-Finnish European, 4.3%; 1,217 homozygotes.

Submissions (6):

PreventionGenetics, part of Exact Sciences
Classification: Benign for ARFGEF3-related condition. Last evaluated: 2019-02-20. Review status: no assertion criteria provided. Collection method: clinical testing. Allele origin: germline.
Comment: This variant is classified as benign based on ACMG/AMP sequence variant interpretation guidelines (Richards et al. 2015 PMID: 25741868, with internal and published modifications).

Dr. Peter K. Rogan Lab, Western University
No classification provided (evidence only). Condition: Melanoma. Review status: no classification provided. Collection method: in vitro. Allele origin: not applicable. Functional consequence: retained intron. Not counted in ClinVar's aggregate classification.

Dr. Peter K. Rogan Lab, Western University
No classification provided (evidence only). Condition: Colon adenocarcinoma. Review status: no classification provided. Collection method: in vitro. Allele origin: not applicable. Functional consequence: retained intron. Not counted in ClinVar's aggregate classification.

Dr. Peter K. Rogan Lab, Western University
No classification provided (evidence only). Condition: Uterine corpus endometrial carcinoma. Review status: no classification provided. Collection method: in vitro. Allele origin: not applicable. Functional consequence: retained intron. Not counted in ClinVar's aggregate classification.

Dr. Peter K. Rogan Lab, Western University
No classification provided (evidence only). Condition: Cervical cancer. Review status: no classification provided. Collection method: in vitro. Allele origin: not applicable. Functional consequence: retained intron. Not counted in ClinVar's aggregate classification.

Dr. Peter K. Rogan Lab, Western University
No classification provided (evidence only). Condition: Malignant tumor of esophagus. Review status: no classification provided. Collection method: in vitro. Allele origin: not applicable. Functional consequence: retained intron. Not counted in ClinVar's aggregate classification.